The following is an entry in ClinVar:

ClinVar aggregate classification (germline): Benign (1 of 4 stars; one submission).

Conditions:
Charcot-Marie-Tooth disease X-linked dominant 1. Also called: HEREDITARY MOTOR AND SENSORY NEUROPATHY, X-LINKED; HMSN, X-LINKED; GJB1 Disorders: Charcot-Marie-Tooth Neuropathy (CMT1X) and Central Nervous System Phenotypes; CHARCOT-MARIE-TOOTH NEUROPATHY, X-LINKED, 1; CHARCOT-MARIE-TOOTH PERONEAL MUSCULAR ATROPHY, X-LINKED; X-linked Charcot-Marie-Tooth disease type 1. Identifiers: Orphanet 101075, MedGen C0393808, MONDO:0010549, OMIM 302800.

Allele frequency attached by ClinVar (database versions not stated): TOPMed 0.00037; gnomAD 0.00040 and 0.00044; gnomAD exomes 0.00051; 1000 Genomes Project 0.00132; 1000 Genomes Project 30x 0.00146.
gnomAD v4.1: 189 of 392,989 alleles (0.048%); highest among the groups gnomAD compares: Non-Finnish European, 0.072%; 1 homozygote.

Submission:

Illumina Laboratory Services, Illumina
Classification: Benign for Charcot-Marie-Tooth disease X-linked dominant 1. Last evaluated: 2018-03-20. Review status: criteria provided, single submitter. Criteria: ICSL Variant Classification Criteria 13 December 2019. Collection method: clinical testing. Allele origin: germline.
Comment: This variant was observed in the ICSL laboratory as part of a predisposition screen in an ostensibly healthy population. It had not been previously curated by ICSL or reported in the Human Gene Mutation Database (HGMD: prior to June 1st, 2018), and was therefore a candidate for classification through an automated scoring system. Utilizing variant allele frequency, disease prevalence and penetrance estimates, and inheritance mode, an automated score was calculated to assess if this variant is too frequent to cause the disease. Based on the score and internal cut-off values, a variant classified as benign is not then subjected to further curation. The score for this variant resulted in a classification of benign for this disease.

NM_000166.6(GJB1):c.*309G>A

Gene: GJB1 (gap junction protein beta 1; plus strand). Cytogenetic location: Xq13.1.
Variant type: single nucleotide variant.
Coding change: c.*309G>A on transcript NM_000166.6 (MANE Select); 309 bases downstream of the stop codon, G replaced by A.
Molecular consequence: 3 prime UTR variant.
Genome position (GRCh38, 1-based): chrX:71,224,868, G>A. VCF-style: chrX-71224868-G-A. GRCh37 (hg19) VCF-style: chrX-70444718-G-A.
Other names: c.*309G>A (NM_001097642.3).
Identifiers: ClinVar variation 915219 (VCV000915219.4), dbSNP rs181881705, ClinGen allele CA330997903.
Genomic context (GRCh38, chrX:71,224,868, plus strand): 5'-CCTCTTCCCTCTCCCTCTCTCTGGGACCACTGGGTACAAGAGATGGGATGCTCCGACAGC[G>A]TCTCCAATTATGAAACTAATCTTAACCCTGTGCTGTCAGATACCCTGTTTCTGGAGTCAC-3'